The following is an entry in ClinVar:

NM_006084.5(IRF9):c.107C>T (p.Thr36Ile)

Gene: IRF9 (interferon regulatory factor 9; plus strand). Cytogenetic location: 14q12.
Variant type: single nucleotide variant.
Coding change: c.107C>T on transcript NM_006084.5 (MANE Select); coding-DNA position 107, C replaced by T.
Protein change: p.Thr36Ile; replaces threonine 36 with isoleucine.
Molecular consequence: missense variant.
Genome position (GRCh38, 1-based): chr14:24,162,251, C>T. VCF-style: chr14-24162251-C-T. GRCh37 (hg19) VCF-style: chr14-24631460-C-T.
Other names: c.107C>T, p.Thr36Ile (NM_001385400.1, NM_001385401.1, NM_001385402.1); short protein forms T36I.
Identifiers: ClinVar variation 1472545 (VCV001472545.8), dbSNP rs2139101785, ClinGen allele CA389199255.

ClinVar aggregate classification (germline): Uncertain significance (1 of 4 stars; one submission).

Submission:

Labcorp Genetics (formerly Invitae), Labcorp
Classification: Uncertain significance. Last evaluated: 2023-08-10. Review status: criteria provided, single submitter. Criteria: Invitae Variant Classification Sherloc (09022015). Collection method: clinical testing. Allele origin: germline.
Comment: This variant is not present in population databases (gnomAD no frequency). This sequence change replaces threonine, which is neutral and polar, with isoleucine, which is neutral and non-polar, at codon 36 of the IRF9 protein (p.Thr36Ile). This variant has not been reported in the literature in individuals affected with IRF9-related conditions. ClinVar contains an entry for this variant (Variation ID: 1472545). An algorithm developed to predict the effect of missense changes on protein structure and function (PolyPhen-2) suggests that this variant is likely to be disruptive. In summary, the available evidence is currently insufficient to determine the role of this variant in disease. Therefore, it has been classified as a Variant of Uncertain Significance.